The following is an entry in ClinVar:

NM_006922.4(SCN3A):c.5575C>T (p.Arg1859Cys)

Gene: SCN3A (sodium voltage-gated channel alpha subunit 3; minus strand). Cytogenetic location: 2q24.3.
Variant type: single nucleotide variant.
Coding change: c.5575C>T on transcript NM_006922.4 (MANE Select); coding-DNA position 5575, C replaced by T.
Protein change: p.Arg1859Cys; replaces arginine 1859 with cysteine.
Molecular consequence: missense variant.
Genome position (GRCh38, 1-based): chr2:165,090,578, G>A on the plus strand (C>T on the coding strand, the complement: SCN3A is on the minus strand). VCF-style: chr2-165090578-G-A. GRCh37 (hg19) VCF-style: chr2-165947088-G-A.
Other names: c.5428C>T, p.Arg1810Cys (NM_001081676.2, NM_001081677.2); short protein forms R1859C, R1810C.
Identifiers: ClinVar variation 2097864 (VCV002097864.4), dbSNP rs1456102855, ClinGen allele CA349011216.

ClinVar aggregate classification (germline): Uncertain significance (1 of 4 stars; one submission).

Allele frequency attached by ClinVar (database versions not stated): gnomAD 0.00001.
gnomAD v4.1: 3 of 1,613,858 alleles (0.00019%); highest among the groups gnomAD compares: Admixed American, 0.0017%; no homozygotes.

Submission:

Labcorp Genetics (formerly Invitae), Labcorp
Classification: Uncertain significance. Last evaluated: 2022-05-03. Review status: criteria provided, single submitter. Criteria: Invitae Variant Classification Sherloc (09022015). Collection method: clinical testing. Allele origin: germline.
Comment: This sequence change replaces arginine, which is basic and polar, with cysteine, which is neutral and slightly polar, at codon 1859 of the SCN3A protein (p.Arg1859Cys). This variant is present in population databases (no rsID available, gnomAD 0.003%). In summary, the available evidence is currently insufficient to determine the role of this variant in disease. Therefore, it has been classified as a Variant of Uncertain Significance. Algorithms developed to predict the effect of missense changes on protein structure and function are either unavailable or do not agree on the potential impact of this missense change (SIFT: "Deleterious"; PolyPhen-2: "Probably Damaging"; Align-GVGD: "Class C0"). This variant has not been reported in the literature in individuals affected with SCN3A-related conditions.